The following is an entry in ClinVar:

ClinVar aggregate classification (germline): Uncertain significance (1 of 4 stars; one submission).

Submission:

Labcorp Genetics (formerly Invitae), Labcorp
Classification: Uncertain significance. Last evaluated: 2025-11-27. Review status: criteria provided, single submitter. Criteria: Invitae Variant Classification Sherloc (09022015). Collection method: clinical testing. Allele origin: germline.
Comment: This sequence change replaces isoleucine, which is neutral and non-polar, with valine, which is neutral and non-polar, at codon 225 of the IL23R protein (p.Ile225Val). This variant is not present in population databases (gnomAD no frequency). This variant has not been reported in the literature in individuals affected with IL23R-related conditions. An algorithm developed to predict the effect of missense changes on protein structure and function (PolyPhen-2) suggests that this variant is likely to be tolerated. In summary, the available evidence is currently insufficient to determine the role of this variant in disease. Therefore, it has been classified as a Variant of Uncertain Significance.

NM_144701.3(IL23R):c.673A>G (p.Ile225Val)

Gene: IL23R (interleukin 23 receptor; plus strand). Cytogenetic location: 1p31.3.
Variant type: single nucleotide variant.
Coding change: c.673A>G on transcript NM_144701.3 (MANE Select); coding-DNA position 673, A replaced by G.
Protein change: p.Ile225Val; replaces isoleucine 225 with valine.
Molecular consequence: missense variant.
Genome position (GRCh38, 1-based): chr1:67,206,930, A>G. VCF-style: chr1-67206930-A-G. GRCh37 (hg19) VCF-style: chr1-67672613-A-G.
Other names: short protein forms I225V.
Identifiers: ClinVar variation 4806230 (VCV004806230.1).
Genomic context (GRCh38, chr1:67,206,930, plus strand): 5'-TTAAACAGCCAGGTCTTTTTTTTTTTTTTTTTTTTTCTAGTGATACCTTCTGCAGCCGTC[A>G]TTTCCAGGGCTGAGACTATAAATGCTACAGTGCCCAAGACCATAATTTATTGGGATAGTC-3'
Protein context (NP_653302.2, residues 215-235): DDIVIPSAAV[Ile225Val]SRAETINATV